The following is an entry in ClinVar:

ClinVar aggregate classification (germline): Uncertain significance. Review status: criteria provided, multiple submitters, no conflicts (2 of 4 stars). 2 submissions from 2 submitters: Uncertain significance (2). Last evaluated 2025-11-02.

gnomAD v4.1: 27 of 1,611,432 alleles (0.0017%); highest among the groups gnomAD compares: African/African-American, 0.028%; no homozygotes.

Submissions (2):

Ambry Genetics
Classification: Uncertain significance. Last evaluated: 2025-11-02. Review status: criteria provided, single submitter. Criteria: Ambry Variant Classification Scheme 2023. Collection method: clinical testing. Allele origin: germline.

Labcorp Genetics (formerly Invitae), Labcorp
Classification: Uncertain significance. Last evaluated: 2025-04-17. Review status: criteria provided, single submitter. Criteria: Invitae Variant Classification Sherloc (09022015). Collection method: clinical testing. Allele origin: germline.
Comment: This sequence change replaces glutamic acid, which is acidic and polar, with glutamine, which is neutral and polar, at codon 625 of the KL protein (p.Glu625Gln). This variant is present in population databases (rs150287359, gnomAD 0.05%). This variant has not been reported in the literature in individuals affected with KL-related conditions. ClinVar contains an entry for this variant (Variation ID: 2367863). Invitae Evidence Modeling of protein sequence and biophysical properties (such as structural, functional, and spatial information, amino acid conservation, physicochemical variation, residue mobility, and thermodynamic stability) has been performed for this missense variant. However, the output from this modeling did not meet the statistical confidence thresholds required to predict the impact of this variant on KL protein function. In summary, the available evidence is currently insufficient to determine the role of this variant in disease. Therefore, it has been classified as a Variant of Uncertain Significance.

NM_004795.4(KL):c.1873G>C (p.Glu625Gln)

Gene: KL (klotho; plus strand). Cytogenetic location: 13q13.1.
Variant type: single nucleotide variant.
Coding change: c.1873G>C on transcript NM_004795.4 (MANE Select); coding-DNA position 1873, G replaced by C.
Protein change: p.Glu625Gln; replaces glutamic acid 625 with glutamine.
Molecular consequence: missense variant.
Genome position (GRCh38, 1-based): chr13:33,060,952, G>C. VCF-style: chr13-33060952-G-C. GRCh37 (hg19) VCF-style: chr13-33635089-G-C.
Other names: short protein forms E625Q.
Identifiers: ClinVar variation 2367863 (VCV002367863.6), dbSNP rs150287359, ClinGen allele CA6944199.